The following is an entry in ClinVar:

NM_020549.5(CHAT):c.1444A>G (p.Arg482Gly)

Gene: CHAT (choline O-acetyltransferase; plus strand). Cytogenetic location: 10q11.23.
Variant type: single nucleotide variant.
Coding change: c.1444A>G on transcript NM_020549.5 (MANE Select); coding-DNA position 1444, A replaced by G.
Protein change: p.Arg482Gly; replaces arginine 482 with glycine.
Molecular consequence: missense variant.
Genome position (GRCh38, 1-based): chr10:49,649,569, A>G. VCF-style: chr10-49649569-A-G. GRCh37 (hg19) VCF-style: chr10-50857615-A-G.
Other names: c.1198A>G, p.Arg400Gly (NM_001142933.2); c.1090A>G, p.Arg364Gly (NM_001142934.2, NM_020984.4, NM_020985.4 and 2 more transcripts); short protein forms R482G, R364G, R400G.
Identifiers: ClinVar variation 17509 (VCV000017509.41), dbSNP rs121912818, ClinGen allele CA257984.
Genomic context (GRCh38, chr10:49,649,569, plus strand): 5'-ACGCAGAGCAGCAGGAAGCTGATCCGAGCAGACTCCGTCAGCGAGCTCCCCGCCCCCCGG[A>G]GGCTGCGGTGGAAATGCTCCCCGGAAATTCAAGGCCACTTAGCCTCCTCGGCAGAAAAAC-3'
Protein context (NP_065574.4, residues 472-492): DSVSELPAPR[Arg482Gly]LRWKCSPEIQ

ClinVar aggregate classification (germline): Likely pathogenic. Review status: criteria provided, multiple submitters, no conflicts (2 of 4 stars). 4 submissions from 4 submitters: Likely pathogenic (3). 1 of the submissions does not count toward it. Last evaluated 2026-03-19.

Conditions:
Familial infantile myasthenia (CMS6). Also called: MYASTHENIC SYNDROME, PRESYNAPTIC, CONGENITAL, ASSOCIATED WITH EPISODIC APNEA; MYASTHENIC SYNDROME, CONGENITAL, 6, PRESYNAPTIC; Congenital myasthenic syndrome type 6. Identifiers: Orphanet 590, MedGen C0393929, MONDO:0009689, OMIM 254210.

Allele frequency attached by ClinVar (database versions not stated): TOPMed below 0.00001.
gnomAD v4.1: 3 of 1,613,872 alleles (0.00019%); highest among the groups gnomAD compares: Non-Finnish European, 0.00025%; no homozygotes.

Submissions (4):

Dasa
Classification: Likely pathogenic. Last evaluated: 2026-03-19. Review status: criteria provided, single submitter. Criteria: DASA Assertion Criteria. Collection method: clinical testing. Allele origin: germline.
Comment: NM_020549.5(CHAT):c.1444A>G (p.Arg482Gly) is a missense variant that results in the substitution of arginine with glycine. This variant has been recurrently observed in individuals with CHAT-related disorders (PMID: 11172068; PMID: 19900826). Functional evidence supports an impact on the gene or gene product (PMID: 11172068). Also, this variant is rare in population databases. Computational evidence supports a deleterious effect. Based on the currently available evidence, this variant is classified as likely pathogenic.

CeGaT Center for Human Genetics Tuebingen
Classification: Likely pathogenic. Last evaluated: 2022-12-01. Review status: criteria provided, single submitter. Criteria: CeGaT Center For Human Genetics Tuebingen Variant Classification Criteria Version 2. Collection method: clinical testing. Allele origin: germline. Affected: yes. Observed: 2 variant alleles.

Labcorp Genetics (formerly Invitae), Labcorp
Classification: Likely pathogenic for Familial infantile myasthenia. Last evaluated: 2020-01-06. Review status: criteria provided, single submitter. Criteria: Invitae Variant Classification Sherloc (09022015). Collection method: clinical testing. Allele origin: germline.
Comment: In summary, the currently available evidence indicates that the variant is pathogenic, but additional data are needed to prove that conclusively. Therefore, this variant has been classified as Likely Pathogenic. Advanced modeling of protein sequence and biophysical properties (such as structural, functional, and spatial information, amino acid conservation, physicochemical variation, residue mobility, and thermodynamic stability) performed at Invitae indicates that this missense variant is expected to disrupt CHAT protein function. This variant has been observed in individual(s) with congenital myasthenic syndrome (PMID: 11172068, 19900826). ClinVar contains an entry for this variant (Variation ID: 17509). This variant is not present in population databases (ExAC no frequency). This sequence change replaces arginine with glycine at codon 482 of the CHAT protein (p.Arg482Gly). The arginine residue is highly conserved and there is a moderate physicochemical difference between arginine and glycine.

OMIM
Classification: Pathogenic for MYASTHENIC SYNDROME, CONGENITAL, 6, PRESYNAPTIC. Last evaluated: 2001-02-13. Review status: no assertion criteria provided. Collection method: literature only. Allele origin: germline. Not counted in ClinVar's aggregate classification.

Literature cited by the submitters: PubMed 11172068 (cited by 3 submitters); PubMed 19900826 (cited by Dasa and Labcorp Genetics (formerly Invitae), Labcorp).